The following is an entry in ClinVar:

NM_001365951.3(KIF1B):c.707T>A (p.Leu236His)

Gene: KIF1B (kinesin family member 1B; plus strand). Cytogenetic location: 1p36.22.
Variant type: single nucleotide variant.
Coding change: c.707T>A on transcript NM_001365951.3 (MANE Select); coding-DNA position 707, T replaced by A.
Protein change: p.Leu236His; replaces leucine 236 with histidine.
Molecular consequence: missense variant.
Genome position (GRCh38, 1-based): chr1:10,268,250, T>A. VCF-style: chr1-10268250-T-A. GRCh37 (hg19) VCF-style: chr1-10328308-T-A.
Other names: c.707T>A, p.Leu236His (NM_001365952.1, NM_001365953.1, NM_015074.3 and 1 more transcripts); short protein forms L236H.
Identifiers: ClinVar variation 3676948 (VCV003676948.4).

ClinVar aggregate classification (germline): Conflicting classifications of pathogenicity. Review status: criteria provided, conflicting classifications (1 of 4 stars). 2 submissions from 2 submitters: Uncertain significance (1); Likely benign (1). Last evaluated 2026-05-01.

Conditions:
Charcot-Marie-Tooth disease type 2. Also called: Charcot-Marie-Tooth type 2. Identifiers: Orphanet 64746, MedGen C0270914, MONDO:0018993.

gnomAD v4.1: 1 of 1,606,036 alleles (0.000062%); highest among the groups gnomAD compares: Non-Finnish European, 0.000085%; no homozygotes.

Submissions (2):

CeGaT Center for Human Genetics Tuebingen
Classification: Likely benign. Last evaluated: 2026-05-01. Review status: criteria provided, single submitter. Criteria: CeGaT Center For Human Genetics Tuebingen Variant Classification Criteria Version 2. Collection method: clinical testing. Allele origin: germline. Affected: yes. Observed: 1 variant allele.
Comment: KIF1B: BS2

Labcorp Genetics (formerly Invitae), Labcorp
Classification: Uncertain significance for Charcot-Marie-Tooth disease type 2. Last evaluated: 2024-04-17. Review status: criteria provided, single submitter. Criteria: Invitae Variant Classification Sherloc (09022015). Collection method: clinical testing. Allele origin: germline.
Comment: This sequence change replaces leucine, which is neutral and non-polar, with histidine, which is basic and polar, at codon 236 of the KIF1B protein (p.Leu236His). This variant is not present in population databases (gnomAD no frequency). This variant has not been reported in the literature in individuals affected with KIF1B-related conditions. Advanced modeling of protein sequence and biophysical properties (such as structural, functional, and spatial information, amino acid conservation, physicochemical variation, residue mobility, and thermodynamic stability) performed at Invitae indicates that this missense variant is not expected to disrupt KIF1B protein function with a negative predictive value of 80%. In summary, the available evidence is currently insufficient to determine the role of this variant in disease. Therefore, it has been classified as a Variant of Uncertain Significance.